The following is an entry in ClinVar:

NM_002095.6(GTF2E2):c.484G>A (p.Gly162Arg)

Gene: GTF2E2 (general transcription factor IIE subunit 2; minus strand). Cytogenetic location: 8p12.
Variant type: single nucleotide variant.
Coding change: c.484G>A on transcript NM_002095.6 (MANE Select); coding-DNA position 484, G replaced by A.
Protein change: p.Gly162Arg; replaces glycine 162 with arginine.
Molecular consequence: missense variant.
Genome position (GRCh38, 1-based): chr8:30,612,364, C>T on the plus strand (G>A on the coding strand, the complement: GTF2E2 is on the minus strand). VCF-style: chr8-30612364-C-T. GRCh37 (hg19) VCF-style: chr8-30469881-C-T.
Other names: c.484G>A, p.Gly162Arg (NM_001348353.1); short protein forms G162R.
Identifiers: ClinVar variation 1386173 (VCV001386173.5), dbSNP rs375279264, ClinGen allele CA4700962.

ClinVar aggregate classification (germline): Uncertain significance (1 of 4 stars; one submission).

Allele frequency attached by ClinVar (database versions not stated): gnomAD exomes below 0.00001; ExAC 0.00001; ESP Exome Variant Server 0.00008.
gnomAD v4.1: 1 of 1,613,098 alleles (0.000062%); highest among the groups gnomAD compares: Non-Finnish European, 0.000085%; no homozygotes.

Submission:

Labcorp Genetics (formerly Invitae), Labcorp
Classification: Uncertain significance. Last evaluated: 2021-09-24. Review status: criteria provided, single submitter. Criteria: Invitae Variant Classification Sherloc (09022015). Collection method: clinical testing. Allele origin: germline.
Comment: This sequence change replaces glycine with arginine at codon 162 of the GTF2E2 protein (p.Gly162Arg). The glycine residue is highly conserved and there is a moderate physicochemical difference between glycine and arginine. This variant is present in population databases (rs375279264, ExAC 0.001%). This variant has not been reported in the literature in individuals with GTF2E2-related conditions. Algorithms developed to predict the effect of missense changes on protein structure and function are either unavailable or do not agree on the potential impact of this missense change (SIFT: "Deleterious"; PolyPhen-2: "Probably Damaging"; Align-GVGD: "Class C15"). In summary, the available evidence is currently insufficient to determine the role of this variant in disease. Therefore, it has been classified as a Variant of Uncertain Significance.